The following is an entry in ClinVar:

ClinVar aggregate classification (germline): Uncertain significance (1 of 4 stars; one submission).

Allele frequency attached by ClinVar (database versions not stated): gnomAD 0.00001; TOPMed 0.00001.
gnomAD v4.1: 14 of 1,614,012 alleles (0.00087%); highest among the groups gnomAD compares: South Asian, 0.0011%; no homozygotes.

Submission:

GeneDx
Classification: Uncertain significance. Last evaluated: 2019-04-01. Review status: criteria provided, single submitter. Criteria: GeneDx Variant Classification Process June 2021. Collection method: clinical testing. Allele origin: germline. Affected: yes.
Comment: Not observed in large population cohorts (Lek et al., 2016); In silico analysis, which includes protein predictors and evolutionary conservation, supports that this variant does not alter protein structure/function; Has not been previously published as pathogenic or benign to our knowledge

NM_001020658.2(PUM1):c.2044G>A (p.Gly682Ser)

Gene: PUM1 (pumilio RNA binding family member 1; minus strand). Cytogenetic location: 1p35.2.
Variant type: single nucleotide variant.
Coding change: c.2044G>A on transcript NM_001020658.2 (MANE Select); coding-DNA position 2044, G replaced by A.
Protein change: p.Gly682Ser; replaces glycine 682 with serine.
Molecular consequence: missense variant.
Genome position (GRCh38, 1-based): chr1:30,966,024, C>T on the plus strand (G>A on the coding strand, the complement: PUM1 is on the minus strand). VCF-style: chr1-30966024-C-T. GRCh37 (hg19) VCF-style: chr1-31438871-C-T.
Other names: c.2044G>A, p.Gly682Ser (NM_014676.3); short protein forms G682S.
Identifiers: ClinVar variation 1308262 (VCV001308262.2), dbSNP rs1164159514, ClinGen allele CA339566049.